The following is an entry in ClinVar:

ClinVar aggregate classification (germline): Conflicting classifications of pathogenicity. Review status: criteria provided, conflicting classifications (1 of 4 stars). 5 submissions from 5 submitters: Likely pathogenic (2); Uncertain significance (3). Last evaluated 2024-06-05.

Conditions:
Type 2 diabetes mellitus. Also called: Type II diabetes mellitus. Identifiers: MedGen C0011860, MeSH D003924, MONDO:0005148, OMIM 125853, HP:0005978.
Maturity-onset diabetes of the young (MODY). Also called: Maturity onset diabetes mellitus in young. Identifiers: Orphanet 552, MedGen C0342276, MONDO:0018911, HP:0004904.

Allele frequency attached by ClinVar (database versions not stated): gnomAD exomes below 0.00001; ExAC 0.00001; gnomAD 0.00001; TOPMed 0.00001; ESP Exome Variant Server 0.00008.
gnomAD v4.1: 8 of 1,610,620 alleles (0.0005%); highest among the groups gnomAD compares: African/African-American, 0.0013%; no homozygotes.

Submissions (5):

Women's Health and Genetics/Laboratory Corporation of America, LabCorp
Classification: Uncertain significance. Last evaluated: 2024-06-05. Review status: criteria provided, single submitter. Criteria: LabCorp Variant Classification Summary - May 2015. Collection method: clinical testing. Allele origin: germline.
Comment: Variant summary: KCNJ11 c.160C>T (p.Arg54Cys) results in a non-conservative amino acid change located in the Potassium channel, inwardly rectifying, transmembrane domain (IPR040445) of the encoded protein sequence. Five of five in-silico tools predict a damaging effect of the variant on protein function. The variant allele was found at a frequency of 4e-06 in 251196 control chromosomes. The available data on variant occurrences in the general population are insufficient to allow any conclusion about variant significance. c.160C>T has been reported in the literature in one homozygous individual with Congenital Hyperinsulinemia and one heterozygous individual with adult-onset diabetes; however, the clinical details of these cases were not provided (De Franco_2020). This variant has also been reported in at least two heterozygous carriers without diabetes (Billings_2022). These report(s) do not provide unequivocal conclusions about association of the variant with Congenital Hyperinsulinism or diabetes. To our knowledge, no experimental evidence demonstrating an impact on protein function has been reported. ClinVar contains an entry for this variant (Variation ID: 447634). Based on the evidence outlined above, the variant was classified as uncertain significance.

GeneDx
Classification: Uncertain significance. Last evaluated: 2023-12-14. Review status: criteria provided, single submitter. Criteria: GeneDx Variant Classification Process June 2021. Collection method: clinical testing. Allele origin: germline. Affected: yes.
Comment: In silico analysis supports that this missense variant has a deleterious effect on protein structure/function; This variant is associated with the following publications: (PMID: 31291970, 32935446, 22701567, 15580558, 15718250, 31264968, 26448950, 16166157, 36208030, 32027066)

Baylor Genetics
Classification: Likely pathogenic for Type 2 diabetes mellitus. Last evaluated: 2023-03-04. Review status: criteria provided, single submitter. Criteria: ACMG Guidelines, 2015. Collection method: clinical testing. Allele origin: unknown.

Athena Diagnostics
Classification: Likely pathogenic. Last evaluated: 2017-12-22. Review status: criteria provided, single submitter. Criteria: Athena Diagnostics Criteria. Collection method: clinical testing. Allele origin: germline.

Clinical Genomics, Uppaluri K&H Personalized Medicine Clinic
Classification: Uncertain significance for Maturity-onset diabetes of the young. Review status: criteria provided, single submitter. Criteria: K & H Uppaluri Personalized Medicine Clinic Variant Classification & Assertion Criteria_Updated V.1. Collection method: research. Allele origin: somatic. Inheritance: Autosomal dominant inheritance.
Comment: Mutations in KCNJ11 gene can cause decreased production and secretion of insulin. This can lead to MODY which may be responsive to oral sulfonylureas. It is also associated with Neonatal Diabetes. However, no sufficient evidence is found to ascertain the role of this particular variant (rs375848765) in MODY yet.

Literature cited by the submitters: PubMed 32027066 (cited by Women's Health and Genetics/Laboratory Corporation of America, LabCorp); PubMed 36208030 (cited by Women's Health and Genetics/Laboratory Corporation of America, LabCorp); PubMed 16166157 (cited by Athena Diagnostics); PubMed 26448950 (cited by Clinical Genomics, Uppaluri K&H Personalized Medicine Clinic); PubMed 15580558 (cited by Clinical Genomics, Uppaluri K&H Personalized Medicine Clinic); PubMed 15718250 (cited by Clinical Genomics, Uppaluri K&H Personalized Medicine Clinic); PubMed 32935446 (cited by Clinical Genomics, Uppaluri K&H Personalized Medicine Clinic); PubMed 22701567 (cited by Clinical Genomics, Uppaluri K&H Personalized Medicine Clinic).

NM_000525.4(KCNJ11):c.160C>T (p.Arg54Cys)

Gene: KCNJ11 (potassium inwardly rectifying channel subfamily J member 11; minus strand). Cytogenetic location: 11p15.1.
Variant type: single nucleotide variant.
Coding change: c.160C>T on transcript NM_000525.4 (MANE Select); coding-DNA position 160, C replaced by T.
Protein change: p.Arg54Cys; replaces arginine 54 with cysteine.
Molecular consequence: missense variant. On other transcripts: intron variant (3).
Genome position (GRCh38, 1-based): chr11:17,387,932, G>A on the plus strand (C>T on the coding strand, the complement: KCNJ11 is on the minus strand). VCF-style: chr11-17387932-G-A. GRCh37 (hg19) VCF-style: chr11-17409479-G-A.
Other names: c.-16-86C>T (NM_001166290.2, NM_001377297.1); c.-17+86C>T (NM_001377296.1); short protein forms R54C.
Identifiers: ClinVar variation 447634 (VCV000447634.6), dbSNP rs375848765, ClinGen allele CA5902330.